The following is an entry in ClinVar:

ClinVar aggregate classification (germline): Uncertain significance. Review status: criteria provided, multiple submitters, no conflicts (2 of 4 stars). 8 submissions from 8 submitters: Uncertain significance (8). Last evaluated 2024-10-09.

Conditions:
Inborn genetic diseases. Identifiers: MedGen C0950123, MeSH D030342.
Microcephaly 5, primary, autosomal recessive (MCPH5). Also called: ASPM Primary Microcephaly. Identifiers: Orphanet 2512, MedGen C1837501, MONDO:0012106, OMIM 608716.

Allele frequency attached by ClinVar (database versions not stated): ExAC 0.00005; gnomAD exomes 0.00009; gnomAD 0.00011; TOPMed 0.00011.
gnomAD v4.1: 137 of 1,613,908 alleles (0.0085%); highest among the groups gnomAD compares: Admixed American, 0.058%; no homozygotes.

Submissions (8):

Athena Diagnostics
Classification: Uncertain significance. Last evaluated: 2024-10-09. Review status: criteria provided, single submitter. Criteria: Athena Diagnostics Criteria. Collection method: clinical testing. Allele origin: unknown.
Comment: Available data are insufficient to determine the clinical significance of the variant at this time. The frequency of this variant in the general population is uninformative in assessment of its pathogenicity. Polyphen and MutationTaster predict this amino acid change may be benign.

Ambry Genetics
Classification: Uncertain significance for Inborn genetic diseases. Last evaluated: 2024-03-31. Review status: criteria provided, single submitter. Criteria: Ambry Variant Classification Scheme 2023. Collection method: clinical testing. Allele origin: germline.

Genome-Nilou Lab
Classification: Uncertain significance for Microcephaly 5, primary, autosomal recessive. Last evaluated: 2023-04-11. Review status: criteria provided, single submitter. Criteria: ACMG Guidelines, 2015. Collection method: clinical testing. Allele origin: germline. Affected: no.

Labcorp Genetics (formerly Invitae), Labcorp
Classification: Uncertain significance. Last evaluated: 2022-05-11. Review status: criteria provided, single submitter. Criteria: Invitae Variant Classification Sherloc (09022015). Collection method: clinical testing. Allele origin: germline.
Comment: This sequence change replaces isoleucine, which is neutral and non-polar, with valine, which is neutral and non-polar, at codon 789 of the ASPM protein (p.Ile789Val). This variant is present in population databases (rs755203240, gnomAD 0.05%). This variant has not been reported in the literature in individuals affected with ASPM-related conditions. ClinVar contains an entry for this variant (Variation ID: 198227). Algorithms developed to predict the effect of missense changes on protein structure and function are either unavailable or do not agree on the potential impact of this missense change (SIFT: "Tolerated"; PolyPhen-2: "Possibly Damaging"; Align-GVGD: "Class C0"). In summary, the available evidence is currently insufficient to determine the role of this variant in disease. Therefore, it has been classified as a Variant of Uncertain Significance.

Fulgent Genetics
Classification: Uncertain significance for Microcephaly 5, primary, autosomal recessive. Last evaluated: 2021-09-09. Review status: criteria provided, single submitter. Criteria: ACMG Guidelines, 2015. Collection method: clinical testing. Allele origin: unknown.

Baylor Genetics
Classification: Uncertain significance for Microcephaly 5, primary, autosomal recessive. Last evaluated: 2018-11-16. Review status: criteria provided, single submitter. Criteria: ACMG Guidelines, 2015. Collection method: clinical testing. Allele origin: paternal. Affected: yes.
Comment: This variant was determined to be of uncertain significance according to ACMG Guidelines, 2015 [PMID:25741868].

GeneDx
Classification: Uncertain significance. Last evaluated: 2017-08-25. Review status: criteria provided, single submitter. Criteria: GeneDx Variant Classification (06012015). Collection method: clinical testing. Allele origin: germline. Affected: yes.
Comment: A variant of uncertain significance has been identified in the ASPM gene. The I789V variant has not been published as a pathogenic variant, nor has it been reported as a benign variant to our knowledge. The I789V variant is observed in 3/11476 (0.03%) alleles from individuals of Latino background (Lek et al., 2016; 1000 Genomes Consortium et al., 2015; Exome Variant Server)]. The I789V variant is a conservative amino acid substitution, which is not likely to impact secondary protein structure as these residues share similar properties. This substitution occurs at a position where amino acids with similar properties to Isoleucine are tolerated across species. Additionally, most pathogenic variants that have been reported in this gene are truncating/loss of function. In silico analysis is inconsistent in its predictions as to whether or not the variant is damaging to the protein structure/function. In summary, based on the currently available information, it is unclear whether this variant is a pathogenic variant or a rare benign variant.

Eurofins Ntd Llc (ga)
Classification: Uncertain significance. Last evaluated: 2015-01-12. Review status: criteria provided, single submitter. Criteria: EGL Classification Definitions 2015. Collection method: clinical testing. Allele origin: germline. Observed: 1 variant allele, 1 heterozygote.

NM_018136.5(ASPM):c.2365A>G (p.Ile789Val)

Gene: ASPM (assembly factor for spindle microtubules; minus strand). Cytogenetic location: 1q31.3.
Variant type: single nucleotide variant.
Coding change: c.2365A>G on transcript NM_018136.5 (MANE Select); coding-DNA position 2365, A replaced by G.
Protein change: p.Ile789Val; replaces isoleucine 789 with valine.
Molecular consequence: missense variant.
Genome position (GRCh38, 1-based): chr1:197,133,404, T>C on the plus strand (A>G on the coding strand, the complement: ASPM is on the minus strand). VCF-style: chr1-197133404-T-C. GRCh37 (hg19) VCF-style: chr1-197102534-T-C.
Other names: c.2365A>G, p.Ile789Val (NM_001206846.2); short protein forms I789V.
Identifiers: ClinVar variation 198227 (VCV000198227.11), dbSNP rs755203240, ClinGen allele CA246768.